The following is an entry in ClinVar:

ClinVar aggregate classification (germline): Likely pathogenic (1 of 4 stars; one submission).

Conditions:
USH2A-related disorder. Also called: USH2A-related condition; USH2A-related disorders. Identifiers: MedGen CN239332.

Submission:

PreventionGenetics, part of Exact Sciences
Classification: Likely pathogenic for USH2A-related condition. Last evaluated: 2023-03-09. Review status: criteria provided, single submitter. Criteria: ACMG Guidelines, 2015. Collection method: clinical testing. Allele origin: germline.
Comment: The USH2A c.1743delC variant is predicted to result in a frameshift and premature protein termination (p.Ser583Alafs*8). To our knowledge, this variant has not been reported in the literature or in a large population database, indicating this variant is rare. Frameshift variants in USH2A are expected to be pathogenic. This variant is interpreted as likely pathogenic.

NM_206933.4(USH2A):c.1743del (p.Ser583fs)

Gene: USH2A (usherin; minus strand). Cytogenetic location: 1q41.
Variant type: Deletion.
Coding change: c.1743del on transcript NM_206933.4 (MANE Select); coding-DNA position 1743, one base deleted (C; older notation c.1743delC).
Protein change: p.Ser583fs; shifts the reading frame from serine 583.
Molecular consequence: frameshift variant.
Genome position (GRCh38, 1-based): chr1:216,292,272, G deleted on the plus strand (C on the coding strand, the reverse complement: USH2A is on the minus strand); the first of 2 consecutive G bases (chr1:216,292,272-216,292,273); deleting either gives the same sequence. VCF-style (leftmost placement, unchanged base first): chr1-216292271-TG-T. GRCh37 (hg19) VCF-style: chr1-216465613-TG-T.
Other names: c.1743del, p.Ser583fs (NM_007123.6); short protein forms S583fs.
Identifiers: ClinVar variation 2633568 (VCV002633568.1), dbSNP rs2528256600, ClinGen allele CA2695200013.